The following is an entry in ClinVar:

NM_000263.4(NAGLU):c.1A>T (p.Met1Leu)

Genes: NAGLU (N-acetyl-alpha-glucosaminidase; plus strand), LOC130060903 (ATAC-STARR-seq lymphoblastoid silent region 8533; plus strand). Cytogenetic location: 17q21.2.
Variant type: single nucleotide variant.
Coding change: c.1A>T on transcript NM_000263.4 (MANE Select); coding-DNA position 1, A replaced by T.
Protein change: p.Met1Leu; changes the start codon (methionine 1).
Molecular consequence: missense variant, initiator codon variant.
Genome position (GRCh38, 1-based): chr17:42,536,273, A>T. VCF-style: chr17-42536273-A-T. GRCh37 (hg19) VCF-style: chr17-40688291-A-T.
Other names: short protein forms M1L.
Identifiers: ClinVar variation 3759435 (VCV003759435.2).

ClinVar aggregate classification (germline): Pathogenic (1 of 4 stars; one submission).

Conditions:
Charcot-Marie-Tooth disease axonal type 2V. Also called: CHARCOT-MARIE-TOOTH NEUROPATHY, TYPE 2V; CHARCOT-MARIE-TOOTH DISEASE, AXONAL, AUTOSOMAL DOMINANT, TYPE 2V. Identifiers: Orphanet 447964, MedGen C5569050, MONDO:0014665, OMIM 616491.
Mucopolysaccharidosis, MPS-III-B (MPS3B). Also called: N-ACETYL-ALPHA-D-GLUCOSAMINIDASE DEFICIENCY; NAGLU DEFICIENCY; SANFILIPPO SYNDROME B; MPS III B; Mucopolysaccharidosis type IIIB (Sanfilippo B); MUCOPOLYSACCHARIDOSIS, TYPE IIIB. Identifiers: Orphanet 79270, MedGen C0086648, MONDO:0009656, OMIM 252920.

Submission:

Labcorp Genetics (formerly Invitae), Labcorp
Classification: Pathogenic for Charcot-Marie-Tooth disease axonal type 2V; Mucopolysaccharidosis, MPS-III-B. Last evaluated: 2024-07-23. Review status: criteria provided, single submitter. Criteria: Invitae Variant Classification Sherloc (09022015). Collection method: clinical testing. Allele origin: germline.
Comment: This sequence change affects the initiator methionine of the NAGLU mRNA. The next in-frame methionine is located at codon 157. This variant is not present in population databases (gnomAD no frequency). Disruption of the initiator codon has been observed in individual(s) with mucopolysaccharidosis type III (PMID: 9950362, 18218046). For these reasons, this variant has been classified as Pathogenic.

Literature cited by the submitters: PubMed 9950362; PubMed 18218046.